The following is an entry in ClinVar:

ClinVar aggregate classification (germline): Uncertain significance (1 of 4 stars; one submission).

Allele frequency attached by ClinVar (database versions not stated): gnomAD exomes below 0.00001; ExAC 0.00001.

Submission:

Labcorp Genetics (formerly Invitae), Labcorp
Classification: Uncertain significance. Last evaluated: 2022-04-18. Review status: criteria provided, single submitter. Criteria: Invitae Variant Classification Sherloc (09022015). Collection method: clinical testing. Allele origin: germline.
Comment: In summary, the available evidence is currently insufficient to determine the role of this variant in disease. Therefore, it has been classified as a Variant of Uncertain Significance. Advanced modeling of protein sequence and biophysical properties (such as structural, functional, and spatial information, amino acid conservation, physicochemical variation, residue mobility, and thermodynamic stability) performed at Invitae indicates that this missense variant is expected to disrupt CDHR1 protein function. This variant has not been reported in the literature in individuals affected with CDHR1-related conditions. This variant is present in population databases (rs779854349, gnomAD 0.003%). This sequence change replaces proline, which is neutral and non-polar, with serine, which is neutral and polar, at codon 470 of the CDHR1 protein (p.Pro470Ser).

NM_033100.4(CDHR1):c.1408C>T (p.Pro470Ser)

Gene: CDHR1 (cadherin related family member 1; plus strand). Cytogenetic location: 10q23.1.
Variant type: single nucleotide variant.
Coding change: c.1408C>T on transcript NM_033100.4 (MANE Select); coding-DNA position 1408, C replaced by T.
Protein change: p.Pro470Ser; replaces proline 470 with serine.
Molecular consequence: missense variant.
Genome position (GRCh38, 1-based): chr10:84,211,088, C>T. VCF-style: chr10-84211088-C-T. GRCh37 (hg19) VCF-style: chr10-85970844-C-T.
Other names: c.1408C>T, p.Pro470Ser (NM_001171971.3); short protein forms P470S.
Identifiers: ClinVar variation 1930974 (VCV001930974.5), dbSNP rs779854349, ClinGen allele CA5579931.